The following is an entry in ClinVar:

ClinVar aggregate classification (germline): Uncertain significance (1 of 4 stars; one submission).

Conditions:
Carnitine palmitoyltransferase II deficiency. Also called: Carnitine Palmitoyltransferase 2 Deficiency. Identifiers: Orphanet 157, MedGen C0342790, MONDO:0015515.

Allele frequency attached by ClinVar (database versions not stated): gnomAD exomes below 0.00001; TOPMed below 0.00001; gnomAD 0.00001.
gnomAD v4.1: 8 of 1,613,998 alleles (0.0005%); highest among the groups gnomAD compares: Non-Finnish European, 0.00068%; no homozygotes.

Submission:

Labcorp Genetics (formerly Invitae), Labcorp
Classification: Uncertain significance for Carnitine palmitoyltransferase II deficiency. Last evaluated: 2021-12-23. Review status: criteria provided, single submitter. Criteria: Invitae Variant Classification Sherloc (09022015). Collection method: clinical testing. Allele origin: germline.
Comment: This sequence change replaces glycine, which is neutral and non-polar, with alanine, which is neutral and non-polar, at codon 203 of the CPT2 protein (p.Gly203Ala). This variant is present in population databases (no rsID available, gnomAD 0.0009%). This variant has not been reported in the literature in individuals affected with CPT2-related conditions. Advanced modeling of protein sequence and biophysical properties (such as structural, functional, and spatial information, amino acid conservation, physicochemical variation, residue mobility, and thermodynamic stability) performed at Invitae indicates that this missense variant is not expected to disrupt CPT2 protein function. In summary, the available evidence is currently insufficient to determine the role of this variant in disease. Therefore, it has been classified as a Variant of Uncertain Significance.

NM_000098.3(CPT2):c.608G>C (p.Gly203Ala)

Gene: CPT2 (carnitine palmitoyltransferase 2; plus strand). Cytogenetic location: 1p32.3.
Variant type: single nucleotide variant.
Coding change: c.608G>C on transcript NM_000098.3 (MANE Select); coding-DNA position 608, G replaced by C.
Protein change: p.Gly203Ala; replaces glycine 203 with alanine.
Molecular consequence: missense variant.
Genome position (GRCh38, 1-based): chr1:53,210,282, G>C. VCF-style: chr1-53210282-G-C. GRCh37 (hg19) VCF-style: chr1-53675954-G-C.
Other names: c.608G>C, p.Gly203Ala (NM_001330589.2); short protein forms G203A.
Identifiers: ClinVar variation 1353072 (VCV001353072.3), dbSNP rs1274319358, ClinGen allele CA340392854.